The following is an entry in ClinVar:

NM_000397.4(CYBB):c.268G>T (p.Val90Phe)

Gene: CYBB (cytochrome b-245 beta chain; plus strand). Cytogenetic location: Xp21.1.
Variant type: single nucleotide variant.
Coding change: c.268G>T on transcript NM_000397.4 (MANE Select); coding-DNA position 268, G replaced by T.
Protein change: p.Val90Phe; replaces valine 90 with phenylalanine.
Molecular consequence: missense variant.
Genome position (GRCh38, 1-based): chrX:37,791,990, G>T. VCF-style: chrX-37791990-G-T. GRCh37 (hg19) VCF-style: chrX-37651243-G-T.
Other names: short protein forms V90F.
Identifiers: ClinVar variation 1035577 (VCV001035577.13), dbSNP rs1929208228, ClinGen allele CA412974052.

ClinVar aggregate classification (germline): Uncertain significance. Review status: criteria provided, multiple submitters, no conflicts (2 of 4 stars). 2 submissions from 2 submitters: Uncertain significance (2). Last evaluated 2020-02-20.

Conditions:
Granulomatous disease, chronic, X-linked. Also called: GRANULOMATOUS DISEASE, CHRONIC, X-LINKED, SOMATIC MOSAIC; CYTOCHROME b-NEGATIVE GRANULOMATOUS DISEASE, CHRONIC, X-LINKED. Identifiers: Orphanet 379, MedGen C1844376, MONDO:0010600, OMIM 306400.

Submissions (2):

Labcorp Genetics (formerly Invitae), Labcorp
Classification: Uncertain significance for Granulomatous disease, chronic, X-linked. Last evaluated: 2020-02-20. Review status: criteria provided, single submitter. Criteria: Invitae Variant Classification Sherloc (09022015). Collection method: clinical testing. Allele origin: germline.
Comment: In summary, the available evidence is currently insufficient to determine the role of this variant in disease. Therefore, it has been classified as a Variant of Uncertain Significance. Algorithms developed to predict the effect of missense changes on protein structure and function are either unavailable or do not agree on the potential impact of this missense change (SIFT: "Tolerated"; PolyPhen-2: "Benign"; Align-GVGD: "Class C0"). This variant has not been reported in the literature in individuals with CYBB-related conditions. This variant is not present in population databases (ExAC no frequency). This sequence change replaces valine with phenylalanine at codon 90 of the CYBB protein (p.Val90Phe). The valine residue is weakly conserved and there is a small physicochemical difference between valine and phenylalanine.

GeneDx
Classification: Uncertain significance. Last evaluated: 2019-04-04. Review status: criteria provided, single submitter. Criteria: GeneDx Variant Classification Process June 2021. Collection method: clinical testing. Allele origin: germline. Affected: yes.
Comment: Not observed in large population cohorts (Lek et al., 2016); In silico analysis, which includes protein predictors and evolutionary conservation, supports that this variant does not alter protein structure/function; Has not been previously published as pathogenic or benign to our knowledge